The following is an entry in ClinVar:

ClinVar aggregate classification (germline): Pathogenic (1 of 4 stars; one submission).

Conditions:
Hereditary cancer-predisposing syndrome. Also called: Neoplastic Syndromes, Hereditary; Tumor predisposition; Hereditary Cancer Syndrome; Hereditary neoplastic syndrome. Identifiers: Orphanet 140162, MedGen C0027672, MeSH D009386, MONDO:0015356.

Submission:

Ambry Genetics
Classification: Pathogenic for Hereditary cancer-predisposing syndrome. Last evaluated: 2026-02-10. Review status: criteria provided, single submitter. Criteria: Ambry Variant Classification Scheme 2023. Collection method: clinical testing. Allele origin: germline.
Comment: The c.12dupC pathogenic mutation, located in coding exon 1 of the TMEM127 gene, results from a duplication of C at nucleotide position 12, causing a translational frameshift with a predicted alternate stop codon (p.G5Rfs*26). This variant is considered to be rare based on population cohorts in the Genome Aggregation Database (gnomAD). This variant is expected to result in loss of function by premature protein truncation or nonsense-mediated mRNA decay. As such, this alteration is interpreted as a disease-causing mutation.

NM_017849.4(TMEM127):c.12dup (p.Gly5fs)

Genes: TMEM127 (transmembrane protein 127; minus strand), LOC129934333 (ATAC-STARR-seq lymphoblastoid silent region 11759; plus strand). Cytogenetic location: 2q11.2.
Variant type: Duplication.
Coding change: c.12dup on transcript NM_017849.4 (MANE Select); coding-DNA position 12, one base duplicated (C; older notation c.12dupC).
Protein change: p.Gly5fs; shifts the reading frame from glycine 5.
Molecular consequence: frameshift variant. On other transcripts: intron variant (1).
Genome position (GRCh38, 1-based): chr2:96,265,370, G duplicated on the plus strand (C on the coding strand, the reverse complement: TMEM127 is on the minus strand); the first of 5 consecutive G bases (chr2:96,265,370-96,265,374); duplicating any one gives the same sequence. VCF-style (leftmost placement, unchanged base first): chr2-96265369-C-CG. GRCh37 (hg19) VCF-style: chr2-96931107-C-CG.
Other names: c.12dupC (NM_017849.3); c.12dup, p.Gly5fs (NM_001193304.3); c.-9+499dup (NM_001407283.1); short protein forms G5fs.
Identifiers: ClinVar variation 4844464 (VCV004844464.1).